The following is an entry in ClinVar:

NM_000744.7(CHRNA4):c.1006C>T (p.Arg336Cys)

Gene: CHRNA4 (cholinergic receptor nicotinic alpha 4 subunit; minus strand). Cytogenetic location: 20q13.33.
Variant type: single nucleotide variant.
Coding change: c.1006C>T on transcript NM_000744.7 (MANE Select); coding-DNA position 1006, C replaced by T.
Protein change: p.Arg336Cys; replaces arginine 336 with cysteine.
Molecular consequence: missense variant. On other transcripts: non-coding transcript variant (1).
Genome position (GRCh38, 1-based): chr20:63,350,405, G>A on the plus strand (C>T on the coding strand, the complement: CHRNA4 is on the minus strand). VCF-style: chr20-63350405-G-A. GRCh37 (hg19) VCF-style: chr20-61981757-G-A.
Other names: p.R336C:CGC>TGC; c.478C>T, p.Arg160Cys (NM_001256573.2); short protein forms R336C, R160C.
Identifiers: ClinVar variation 205020 (VCV000205020.57), dbSNP rs56175056, ClinGen allele CA313559.
Genomic context (GRCh38, chr20:63,350,405, plus strand): 5'-GCAGGCGTGGCACGATGTCCAGGAAGACCCTGCGTACCCAGGTGGGCATGGTGTGCGTGC[G>A]TGGCGAGCGGTGGTGCACGTTGAGCACGAAGACCGTGATGACGATGGACAGGGTGACGAA-3'
Protein context (NP_000735.1, residues 326-346): FVLNVHHRSP[Arg336Cys]THTMPTWVRR

ClinVar aggregate classification (germline): Conflicting classifications of pathogenicity. Review status: criteria provided, conflicting classifications (1 of 4 stars). 8 submissions from 8 submitters: Uncertain significance (2); Likely benign (5). 1 of the submissions does not count toward it. Last evaluated 2026-02-24.

Conditions:
Familial sleep-related hypermotor epilepsy. Also called: Autosomal Dominant Sleep-Related Hypermotor (Hyperkinetic) Epilepsy. Identifiers: Orphanet 98784, MedGen C3696898, MONDO:0000030.
CHRNA4-related disorder. Also called: CHRNA4-related condition.
Inborn genetic diseases. Identifiers: MedGen C0950123, MeSH D030342.
Autosomal dominant nocturnal frontal lobe epilepsy 1. Also called: CHRNA4-Related Nocturnal Frontal Lobe Epilepsy, Autosomal Dominant; EPILEPSY, NOCTURNAL FRONTAL LOBE, TYPE 1. Identifiers: Orphanet 98784, MedGen C1838049, MONDO:0010899, OMIM 600513.

Allele frequency attached by ClinVar (database versions not stated): gnomAD 0.00042 and 0.00045; TOPMed 0.00046; ESP Exome Variant Server 0.00077.

Submissions (8):

Ambry Genetics
Classification: Likely benign for Inborn genetic diseases. Last evaluated: 2026-02-24. Review status: criteria provided, single submitter. Criteria: Ambry Variant Classification Scheme 2023. Collection method: clinical testing. Allele origin: germline.

Labcorp Genetics (formerly Invitae), Labcorp
Classification: Likely benign. Last evaluated: 2026-01-05. Review status: criteria provided, single submitter. Criteria: Invitae Variant Classification Sherloc (09022015). Collection method: clinical testing. Allele origin: germline.

CeGaT Center for Human Genetics Tuebingen
Classification: Likely benign. Last evaluated: 2025-10-01. Review status: criteria provided, single submitter. Criteria: CeGaT Center For Human Genetics Tuebingen Variant Classification Criteria Version 2. Collection method: clinical testing. Allele origin: germline. Affected: yes. Observed: 6 variant alleles.
Comment: CHRNA4: BS2

Blueprint Genetics
Classification: Likely benign. Last evaluated: 2024-09-13. Review status: criteria provided, single submitter. Criteria: ACMG Guidelines, 2015. Collection method: clinical testing. Allele origin: germline.

Revvity Omics, Revvity
Classification: Uncertain significance for Autosomal dominant nocturnal frontal lobe epilepsy 1. Last evaluated: 2022-08-26. Review status: criteria provided, single submitter. Criteria: ACMG Guidelines, 2015. Collection method: clinical testing. Allele origin: germline.

GeneDx
Classification: Likely benign. Last evaluated: 2021-01-14. Review status: criteria provided, single submitter. Criteria: GeneDx Variant Classification Process June 2021. Collection method: clinical testing. Allele origin: germline. Affected: yes.
Comment: This variant is associated with the following publications: (PMID: 24385388, 19058950, 26440539, 26952864)

Eurofins Ntd Llc (ga)
Classification: Uncertain significance. Last evaluated: 2017-01-16. Review status: criteria provided, single submitter. Criteria: EGL Classification Definitions 2015. Collection method: clinical testing. Allele origin: germline. Observed: 3 variant alleles, 3 heterozygotes.

PreventionGenetics, part of Exact Sciences
Classification: Likely benign for CHRNA4-related condition. Last evaluated: 2023-11-14. Review status: no assertion criteria provided. Collection method: clinical testing. Allele origin: germline. Not counted in ClinVar's aggregate classification.
Comment: This variant is classified as likely benign based on ACMG/AMP sequence variant interpretation guidelines (Richards et al. 2015 PMID: 25741868, with internal and published modifications).